The following is an entry in ClinVar:

ClinVar aggregate classification (germline): Uncertain significance. Review status: criteria provided, multiple submitters, no conflicts (2 of 4 stars). 2 submissions from 2 submitters: Uncertain significance (2). Last evaluated 2025-08-25.

Conditions:
Inborn genetic diseases. Identifiers: MedGen C0950123, MeSH D030342.

Allele frequency attached by ClinVar (database versions not stated): TOPMed below 0.00001; ExAC 0.00004.
gnomAD v4.1: 9 of 1,613,292 alleles (0.00056%); highest among the groups gnomAD compares: Non-Finnish European, 0.00076%; no homozygotes.

Submissions (2):

Ambry Genetics
Classification: Uncertain significance for Inborn genetic diseases. Last evaluated: 2025-08-25. Review status: criteria provided, single submitter. Criteria: Ambry Variant Classification Scheme 2023. Collection method: clinical testing. Allele origin: germline.

Labcorp Genetics (formerly Invitae), Labcorp
Classification: Uncertain significance. Last evaluated: 2023-05-22. Review status: criteria provided, single submitter. Criteria: Invitae Variant Classification Sherloc (09022015). Collection method: clinical testing. Allele origin: germline.
Comment: This sequence change replaces alanine, which is neutral and non-polar, with valine, which is neutral and non-polar, at codon 661 of the TBCK protein (p.Ala661Val). This variant is present in population databases (rs768774038, gnomAD 0.005%). This variant has not been reported in the literature in individuals affected with TBCK-related conditions. ClinVar contains an entry for this variant (Variation ID: 1965083). Advanced modeling of protein sequence and biophysical properties (such as structural, functional, and spatial information, amino acid conservation, physicochemical variation, residue mobility, and thermodynamic stability) performed at Invitae indicates that this missense variant is not expected to disrupt TBCK protein function. In summary, the available evidence is currently insufficient to determine the role of this variant in disease. Therefore, it has been classified as a Variant of Uncertain Significance.

NM_001163435.3(TBCK):c.1982C>T (p.Ala661Val)

Gene: TBCK (TBC1 domain containing kinase; minus strand). Cytogenetic location: 4q24.
Variant type: single nucleotide variant.
Coding change: c.1982C>T on transcript NM_001163435.3 (MANE Select); coding-DNA position 1982, C replaced by T.
Protein change: p.Ala661Val; replaces alanine 661 with valine.
Molecular consequence: missense variant.
Genome position (GRCh38, 1-based): chr4:106,193,686, G>A on the plus strand (C>T on the coding strand, the complement: TBCK is on the minus strand). VCF-style: chr4-106193686-G-A. GRCh37 (hg19) VCF-style: chr4-107114843-G-A.
Other names: c.1982C>T, p.Ala661Val (NM_001163436.4); c.1865C>T, p.Ala622Val (NM_001163437.3); c.1466C>T, p.Ala489Val (NM_001290768.2); c.1793C>T, p.Ala598Val (NM_033115.5); c.1982C>T (NM_001163435.1); short protein forms A661V, A598V, A489V, A622V.
Identifiers: ClinVar variation 1965083 (VCV001965083.6), dbSNP rs768774038, ClinGen allele CA3034841.
Genomic context (GRCh38, chr4:106,193,686, plus strand): 5'-AGAAGAATACACTCATTAAAGCCATTAGCCAAAAGCCGGTCCCGCAGCTGCTGAAGAATT[G>A]CTACTCCAATACAGAATGGGAAAGAGGAATTCCCAAGTAGTAAGGTATCCCAGAGGTGGA-3'
Protein context (NP_001156907.2, residues 651-671): NSSFPFCIGV[Ala661Val]ILQQLRDRLL